The following is an entry in ClinVar:

ClinVar aggregate classification (germline): Uncertain significance (1 of 4 stars; one submission).

Submission:

GeneDx
Classification: Uncertain significance. Last evaluated: 2024-02-08. Review status: criteria provided, single submitter. Criteria: GeneDx Variant Classification Process June 2021. Collection method: clinical testing. Allele origin: germline. Affected: yes.
Comment: Not observed at significant frequency in large population cohorts (gnomAD); Alters the last nucleotide of the exon and is predicted to destroy the splice donor site and result in aberrant splicing, although in the absence of functional evidence the actual effect of this sequence change is unknown; Has not been previously published as pathogenic or benign to our knowledge

NM_015015.3(KDM4B):c.141G>A (p.Lys47=)

Gene: KDM4B (lysine demethylase 4B; plus strand). Cytogenetic location: 19p13.3.
Variant type: single nucleotide variant.
Coding change: c.141G>A on transcript NM_015015.3 (MANE Select); coding-DNA position 141, G replaced by A.
Protein change: p.Lys47=; no amino-acid change (lysine 47 retained).
Molecular consequence: synonymous variant.
Genome position (GRCh38, 1-based): chr19:5,033,031, G>A. VCF-style: chr19-5033031-G-A. GRCh37 (hg19) VCF-style: chr19-5033042-G-A.
Other names: c.141G>A, p.Lys47= (NM_001370094.1, NM_001411148.1, NM_001370093.1).
Identifiers: ClinVar variation 3369017 (VCV003369017.1).